The following is an entry in ClinVar:

ClinVar aggregate classification (germline): Uncertain significance (1 of 4 stars; one submission).

Submission:

Labcorp Genetics (formerly Invitae), Labcorp
Classification: Uncertain significance. Last evaluated: 2024-06-03. Review status: criteria provided, single submitter. Criteria: Invitae Variant Classification Sherloc (09022015). Collection method: clinical testing. Allele origin: germline.
Comment: This sequence change replaces aspartic acid, which is acidic and polar, with glycine, which is neutral and non-polar, at codon 291 of the MPDZ protein (p.Asp291Gly). This variant is not present in population databases (gnomAD no frequency). This variant has not been reported in the literature in individuals affected with MPDZ-related conditions. ClinVar contains an entry for this variant (Variation ID: 2015109). An algorithm developed to predict the effect of missense changes on protein structure and function (PolyPhen-2) suggests that this variant is likely to be disruptive. In summary, the available evidence is currently insufficient to determine the role of this variant in disease. Therefore, it has been classified as a Variant of Uncertain Significance.

NM_001378778.1(MPDZ):c.872A>G (p.Asp291Gly)

Gene: MPDZ (multiple PDZ domain crumbs cell polarity complex component; minus strand). Cytogenetic location: 9p23.
Variant type: single nucleotide variant.
Coding change: c.872A>G on transcript NM_001378778.1 (MANE Select); coding-DNA position 872, A replaced by G.
Protein change: p.Asp291Gly; replaces aspartic acid 291 with glycine.
Molecular consequence: missense variant.
Genome position (GRCh38, 1-based): chr9:13,221,376, T>C on the plus strand (A>G on the coding strand, the complement: MPDZ is on the minus strand). VCF-style: chr9-13221376-T-C. GRCh37 (hg19) VCF-style: chr9-13221375-T-C.
Other names: c.872A>G, p.Asp291Gly (NM_001261406.2, NM_001261407.2, NM_001330637.2 and 14 more transcripts); short protein forms D291G.
Identifiers: ClinVar variation 2015109 (VCV002015109.4), dbSNP rs2497393332, ClinGen allele CA372946214.